The following is an entry in ClinVar:

ClinVar aggregate classification (germline): Uncertain significance (1 of 4 stars; one submission).

Conditions:
Charcot-Marie-Tooth disease axonal type 2Z. Also called: CHARCOT-MARIE-TOOTH DISEASE, AXONAL, AUTOSOMAL DOMINANT, TYPE 2Z; CHARCOT-MARIE-TOOTH NEUROPATHY, TYPE 2Z. Identifiers: Orphanet 466768, MedGen C5569025, MONDO:0014736, OMIM 616688.

Submission:

Labcorp Genetics (formerly Invitae), Labcorp
Classification: Uncertain significance for Charcot-Marie-Tooth disease axonal type 2Z. Last evaluated: 2018-12-10. Review status: criteria provided, single submitter. Criteria: Invitae Variant Classification Sherloc (09022015). Collection method: clinical testing. Allele origin: germline.
Comment: In summary, the available evidence is currently insufficient to determine the role of this variant in disease. Therefore, it has been classified as a Variant of Uncertain Significance. Algorithms developed to predict the effect of missense changes on protein structure and function output the following: SIFT: "Not Available"; PolyPhen-2: "Benign"; Align-GVGD: "Not Available". The valine amino acid residue is found in multiple mammalian species, suggesting that this missense change does not adversely affect protein function. These predictions have not been confirmed by published functional studies and their clinical significance is uncertain. This variant has not been reported in the literature in individuals with MORC2-related conditions. This variant is not present in population databases (ExAC no frequency). This sequence change replaces isoleucine with valine at codon 727 of the MORC2 protein (p.Ile727Val). The isoleucine residue is weakly conserved and there is a small physicochemical difference between isoleucine and valine.

NM_001303256.3(MORC2):c.2179A>G (p.Ile727Val)

Gene: MORC2 (MORC family CW-type zinc finger 2; minus strand). Cytogenetic location: 22q12.2.
Variant type: single nucleotide variant.
Coding change: c.2179A>G on transcript NM_001303256.3 (MANE Select); coding-DNA position 2179, A replaced by G.
Protein change: p.Ile727Val; replaces isoleucine 727 with valine.
Molecular consequence: missense variant.
Genome position (GRCh38, 1-based): chr22:30,934,795, T>C on the plus strand (A>G on the coding strand, the complement: MORC2 is on the minus strand). VCF-style: chr22-30934795-T-C. GRCh37 (hg19) VCF-style: chr22-31330782-T-C.
Other names: c.2179A>G, p.Ile727Val (NM_001303257.2); c.1993A>G, p.Ile665Val (NM_014941.3); short protein forms I727V, I665V.
Identifiers: ClinVar variation 649374 (VCV000649374.7), dbSNP rs1602481313, ClinGen allele CA411234447.
Genomic context (GRCh38, chr22:30,934,795, plus strand): 5'-CACTACTGACACTGGGCTGGGGTATTAAAGAGGACAAGCGTCTCACCGGGGAGAGTTTGA[T>C]GGGTGACTCTGTCTTCTTCACCACTGGAGTCTTGATGACTTTGGGAGAAGGAACCTCCCG-3'
Protein context (NP_001290185.1, residues 717-737): TPVVKKTESP[Ile727Val]KLSPATPSRK